The following is an entry in ClinVar:

ClinVar aggregate classification (germline): Uncertain significance (1 of 4 stars; one submission).

Conditions:
Immunodeficiency 120. Identifiers: MedGen C5935622, MONDO:0970994, OMIM 620836.
Mandibular hypoplasia-deafness-progeroid syndrome. Also called: Mandibular hypoplasia, deafness, progeroid features, and lipodystrophy syndrome. Identifiers: Orphanet 363649, MedGen C3715192, MONDO:0014157, OMIM 615381.
POLD1-related polyposis and colorectal cancer syndrome (CRCS10). Also called: COLORECTAL CANCER, SUSCEPTIBILITY TO, ON CHROMOSOME 19q; Colorectal cancer 10; Colorectal cancer, susceptibility to, 10. Identifiers: Orphanet 220460, MedGen C2675481, MONDO:0012953, OMIM 612591.

Submission:

Juno Genomics, Hangzhou Juno Genomics, Inc
Classification: Uncertain significance for Immunodeficiency 120; POLD1-related polyposis and colorectal cancer syndrome; Mandibular hypoplasia-deafness-progeroid syndrome. Review status: criteria provided, single submitter. Criteria: ACMG Guidelines, 2015. Collection method: clinical testing. Allele origin: germline.
Comment: Absent from controls (or at extremely low frequency if recessive) in Genome Aggregation Database.

NM_002691.4(POLD1):c.2245G>A (p.Ala749Thr)

Gene: POLD1 (DNA polymerase delta 1, catalytic subunit; plus strand). Cytogenetic location: 19q13.33.
Variant type: single nucleotide variant.
Coding change: c.2245G>A on transcript NM_002691.4 (MANE Select); coding-DNA position 2245, G replaced by A.
Protein change: p.Ala749Thr; replaces alanine 749 with threonine.
Molecular consequence: missense variant. On other transcripts: non-coding transcript variant (1).
Genome position (GRCh38, 1-based): chr19:50,413,516, G>A. VCF-style: chr19-50413516-G-A. GRCh37 (hg19) VCF-style: chr19-50916773-G-A.
Other names: c.2245G>A, p.Ala749Thr (NM_001256849.1, NM_001438212.1, NM_001438213.1); c.2323G>A, p.Ala775Thr (NM_001308632.1); c.2173G>A, p.Ala725Thr (NM_001438210.1, NM_001438211.1); short protein forms A725T, A775T, A749T.
Identifiers: ClinVar variation 5006030 (VCV005006030.2).
Genomic context (GRCh38, chr19:50,413,516, plus strand): 5'-GAGAAAACCAAGCAGCTGGTGGAGTCTAAGTACACAGTGGAGAATGGCTACAGCACCAGT[G>A]CCAAGGTCGGGGGCTGCCCACCGCTGCCCTGAGATGGGCCCAGGGCAGGTGGGGGGATGG-3'
Protein context (NP_002682.2, residues 739-759): YTVENGYSTS[Ala749Thr]KVVYGDTDSV